The following is an entry in ClinVar:

NM_005751.5(AKAP9):c.3845G>A (p.Gly1282Glu)

Gene: AKAP9 (A-kinase anchoring protein 9; plus strand). Cytogenetic location: 7q21.2.
Variant type: single nucleotide variant.
Coding change: c.3845G>A on transcript NM_005751.5 (MANE Select); coding-DNA position 3845, G replaced by A.
Protein change: p.Gly1282Glu; replaces glycine 1282 with glutamic acid.
Molecular consequence: missense variant.
Genome position (GRCh38, 1-based): chr7:92,022,245, G>A. VCF-style: chr7-92022245-G-A. GRCh37 (hg19) VCF-style: chr7-91651559-G-A.
Other names: c.3845G>A, p.Gly1282Glu (NM_147185.3); short protein forms G1282E.
Identifiers: ClinVar variation 5033867 (VCV005033867.1).

ClinVar aggregate classification (germline): Uncertain significance (1 of 4 stars; one submission).

Conditions:
Cardiovascular phenotype. Identifiers: MedGen CN230736.

gnomAD v4.1: 4 of 1,608,582 alleles (0.00025%); highest among the groups gnomAD compares: Admixed American, 0.0017%; no homozygotes.

Submission:

Ambry Genetics
Classification: Uncertain significance for Cardiovascular phenotype. Last evaluated: 2026-06-25. Review status: criteria provided, single submitter. Criteria: Ambry Variant Classification Scheme 2023. Collection method: clinical testing. Allele origin: germline.
Comment: The p.G1282E variant (also known as c.3845G>A), located in coding exon 13 of the AKAP9 gene, results from a G to A substitution at nucleotide position 3845. The glycine at codon 1282 is replaced by glutamic acid, an amino acid with similar properties. This amino acid position is conserved. In addition, this alteration is predicted to be tolerated by in silico analysis. Based on the available evidence, the clinical significance of this variant remains unclear.